The following is an entry in ClinVar:

NM_002470.4(MYH3):c.1894A>C (p.Ser632Arg)

Gene: MYH3 (myosin heavy chain 3; minus strand). Cytogenetic location: 17p13.1.
Variant type: single nucleotide variant.
Coding change: c.1894A>C on transcript NM_002470.4 (MANE Select); coding-DNA position 1894, A replaced by C.
Protein change: p.Ser632Arg; replaces serine 632 with arginine.
Molecular consequence: missense variant.
Genome position (GRCh38, 1-based): chr17:10,642,305, T>G on the plus strand (A>C on the coding strand, the complement: MYH3 is on the minus strand). VCF-style: chr17-10642305-T-G. GRCh37 (hg19) VCF-style: chr17-10545622-T-G.
Other names: short protein forms S632R.
Identifiers: ClinVar variation 3634454 (VCV003634454.2).

ClinVar aggregate classification (germline): Uncertain significance (1 of 4 stars; one submission).

Submission:

Labcorp Genetics (formerly Invitae), Labcorp
Classification: Uncertain significance. Last evaluated: 2024-09-15. Review status: criteria provided, single submitter. Criteria: Invitae Variant Classification Sherloc (09022015). Collection method: clinical testing. Allele origin: germline.
Comment: This sequence change replaces serine, which is neutral and polar, with arginine, which is basic and polar, at codon 632 of the MYH3 protein (p.Ser632Arg). This variant is not present in population databases (gnomAD no frequency). This variant has not been reported in the literature in individuals affected with MYH3-related conditions. Invitae Evidence Modeling of protein sequence and biophysical properties (such as structural, functional, and spatial information, amino acid conservation, physicochemical variation, residue mobility, and thermodynamic stability) indicates that this missense variant is not expected to disrupt MYH3 protein function with a negative predictive value of 95%. In summary, the available evidence is currently insufficient to determine the role of this variant in disease. Therefore, it has been classified as a Variant of Uncertain Significance.